The following is an entry in ClinVar:

NM_000152.5(GAA):c.928G>T (p.Val310Leu)

Gene: GAA (alpha glucosidase; plus strand). Cytogenetic location: 17q25.3.
Variant type: single nucleotide variant.
Coding change: c.928G>T on transcript NM_000152.5 (MANE Select); coding-DNA position 928, G replaced by T.
Protein change: p.Val310Leu; replaces valine 310 with leucine.
Molecular consequence: missense variant.
Genome position (GRCh38, 1-based): chr17:80,107,869, G>T. VCF-style: chr17-80107869-G-T. GRCh37 (hg19) VCF-style: chr17-78081668-G-T.
Other names: c.928G>T, p.Val310Leu (NM_001079803.3, NM_001079804.3); short protein forms V310L.
Identifiers: ClinVar variation 945914 (VCV000945914.7), dbSNP rs941586376, ClinGen allele CA294891320.

ClinVar aggregate classification (germline): Uncertain significance (1 of 4 stars; one submission).

Conditions:
Glycogen storage disease, type II (IOPD). Also called: Glucosidase acid-1,4-alpha deficiency; GLYCOGENOSIS, GENERALIZED, CARDIAC FORM; GSD II; CARDIOMEGALIA GLYCOGENICA DIFFUSA; Pompe Disease; POMPE DISEASE, INFANTILE-ONSET. Identifiers: Orphanet 365, MedGen C0017921, MONDO:0009290, OMIM 232300.

Allele frequency attached by ClinVar (database versions not stated): gnomAD exomes below 0.00001.
gnomAD v4.1: 6 of 1,611,530 alleles (0.00037%); highest among the groups gnomAD compares: African/African-American, 0.0013%; no homozygotes.

Submission:

Labcorp Genetics (formerly Invitae), Labcorp
Classification: Uncertain significance for Glycogen storage disease, type II. Last evaluated: 2023-12-16. Review status: criteria provided, single submitter. Criteria: Invitae Variant Classification Sherloc (09022015). Collection method: clinical testing. Allele origin: germline.
Comment: This sequence change replaces valine, which is neutral and non-polar, with leucine, which is neutral and non-polar, at codon 310 of the GAA protein (p.Val310Leu). The frequency data for this variant in the population databases is considered unreliable, as metrics indicate poor data quality at this position in the gnomAD database. This variant has not been reported in the literature in individuals affected with GAA-related conditions. ClinVar contains an entry for this variant (Variation ID: 945914). Advanced modeling of protein sequence and biophysical properties (such as structural, functional, and spatial information, amino acid conservation, physicochemical variation, residue mobility, and thermodynamic stability) performed at Invitae indicates that this missense variant is expected to disrupt GAA protein function with a positive predictive value of 95%. In summary, the available evidence is currently insufficient to determine the role of this variant in disease. Therefore, it has been classified as a Variant of Uncertain Significance.